The following is an entry in ClinVar:

ClinVar aggregate classification (germline): Uncertain significance. Review status: criteria provided, single submitter (1 of 4 stars). 2 submissions from 2 submitters: Uncertain significance (1). 1 of the submissions does not count toward it. Last evaluated 2024-03-28.

Conditions:
Familial dysautonomia. Also called: HSAN III; FD. Identifiers: Orphanet 1764, MedGen C0013364, MONDO:0009131, OMIM 223900. Disease mechanism: loss of function.

Submissions (2):

Labcorp Genetics (formerly Invitae), Labcorp
Classification: Uncertain significance. Last evaluated: 2024-03-28. Review status: criteria provided, single submitter. Criteria: Invitae Variant Classification Sherloc (09022015). Collection method: clinical testing. Allele origin: germline.
Comment: This sequence change falls in intron 33 of the ELP1 gene. It does not directly change the encoded amino acid sequence of the ELP1 protein. It affects a nucleotide within the consensus splice site. This variant is not present in population databases (gnomAD no frequency). This variant has not been reported in the literature in individuals affected with ELP1-related conditions. ClinVar contains an entry for this variant (Variation ID: 577154). Variants that disrupt the consensus splice site are a relatively common cause of aberrant splicing (PMID: 17576681, 9536098). Algorithms developed to predict the effect of sequence changes on RNA splicing suggest that this variant may disrupt the consensus splice site. In summary, the available evidence is currently insufficient to determine the role of this variant in disease. Therefore, it has been classified as a Variant of Uncertain Significance.

Natera, Inc.
Classification: Uncertain significance for Familial dysautonomia. Last evaluated: 2020-09-16. Review status: no assertion criteria provided. Collection method: clinical testing. Allele origin: germline. Not counted in ClinVar's aggregate classification.

Literature cited by the submitters: PubMed 17576681 (cited by Labcorp Genetics (formerly Invitae), Labcorp); PubMed 9536098 (cited by Labcorp Genetics (formerly Invitae), Labcorp).

NM_003640.5(ELP1):c.3572+5G>C

Gene: ELP1 (elongator acetyltransferase complex subunit 1; minus strand). Cytogenetic location: 9q31.3.
Variant type: single nucleotide variant.
Coding change: c.3572+5G>C on transcript NM_003640.5 (MANE Select); 5 bases into the intron after coding-DNA position 3572, G replaced by C.
Molecular consequence: intron variant.
Genome position (GRCh38, 1-based): chr9:108,879,441, C>G on the plus strand (G>C on the coding strand, the complement: ELP1 is on the minus strand). VCF-style: chr9-108879441-C-G. GRCh37 (hg19) VCF-style: chr9-111641721-C-G.
Other names: c.3572+5G>C (LRG_251t1); c.3230+5G>C (NM_001318360.2); c.2525+5G>C (NM_001330749.2).
Identifiers: ClinVar variation 577154 (VCV000577154.7), dbSNP rs773132143, ClinGen allele CA891842550.